The following is an entry in ClinVar:

ClinVar aggregate classification (germline): Likely benign (1 of 4 stars; one submission).

Submission:

CeGaT Center for Human Genetics Tuebingen
Classification: Likely benign. Last evaluated: 2024-01-01. Review status: criteria provided, single submitter. Criteria: CeGaT Center For Human Genetics Tuebingen Variant Classification Criteria Version 2. Collection method: clinical testing. Allele origin: germline. Affected: yes. Observed: 1 variant allele.
Comment: ICOSLG: PM2:Supporting, BP4, BP7

NM_015259.6(ICOSLG):c.898+419C>T

Gene: ICOSLG (inducible T cell costimulator ligand; minus strand). Cytogenetic location: 21q22.3.
Variant type: single nucleotide variant.
Coding change: c.898+419C>T on transcript NM_015259.6 (MANE Select); 419 bases into the intron after coding-DNA position 898, C replaced by T.
Molecular consequence: intron variant.
Genome position (GRCh38, 1-based): chr21:44,229,635, G>A on the plus strand (C>T on the coding strand, the complement: ICOSLG is on the minus strand). VCF-style: chr21-44229635-G-A. GRCh37 (hg19) VCF-style: chr21-45649518-G-A.
Other names: c.547+419C>T (NM_001283051.2); c.643+419C>T (NM_001283052.2); c.898+419C>T (NM_001283050.2); c.899-89C>T (NM_001395918.1); c.817+419C>T (NM_001365759.2).
Identifiers: ClinVar variation 3025632 (VCV003025632.22), dbSNP rs2517834391, ClinGen allele CA2654785980.